The following is an entry in ClinVar:

ClinVar aggregate classification (germline): Uncertain significance (1 of 4 stars; one submission).

Conditions:
Rienhoff syndrome. Also called: LOEYS-DIETZ SYNDROME 5. Identifiers: MedGen C3810012, MONDO:0014262, OMIM 615582.

Submission:

Labcorp Genetics (formerly Invitae), Labcorp
Classification: Uncertain significance for Rienhoff syndrome. Last evaluated: 2018-04-19. Review status: criteria provided, single submitter. Criteria: Invitae Variant Classification Sherloc (09022015). Collection method: clinical testing. Allele origin: germline.
Comment: The observation of one missense substitution downstream of this variant (p.Cys409Tyr) in an affected individual suggests that this may be a clinically significant region of the TGFB3 protein (PMID: 23824657). This variant has not been reported in the literature in individuals with TGFB3-related disease. This variant is not present in population databases (ExAC no frequency). This sequence change results in a premature translational stop signal in the TGFB3 gene (p.Asp355Hisfs*16). While this is not anticipated to result in nonsense mediated decay, it is expected to delete the last 58 amino acids of the TGFB3 protein. In summary, the available evidence is currently insufficient to determine the role of this variant in disease. Therefore, it has been classified as a Variant of Uncertain Significance. Experimental studies and prediction algorithms are not available for this variant, and the functional significance of the disrupted amino acids is currently unknown.

Literature cited by the submitters: PubMed 23824657.

NM_003239.5(TGFB3):c.1063_1064del (p.Asp355fs)

Gene: TGFB3 (transforming growth factor beta 3; minus strand). Cytogenetic location: 14q24.3.
Variant type: Deletion.
Coding change: c.1063_1064del on transcript NM_003239.5 (MANE Select); coding-DNA positions 1063 to 1064, 2 bases deleted (GA; older notation c.1063_1064delGA).
Protein change: p.Asp355fs; shifts the reading frame from aspartic acid 355.
Molecular consequence: frameshift variant.
Genome position (GRCh38, 1-based): chr14:75,960,939-75,960,940, TC deleted on the plus strand (GA on the coding strand, the reverse complement: TGFB3 is on the minus strand); deleting any 2 consecutive bases within chr14:75,960,939-75,960,941 gives the same sequence; the c. name uses the placement nearest the transcript's 3' end. VCF-style (leftmost placement, unchanged base first): chr14-75960938-GTC-G. GRCh37 (hg19) VCF-style: chr14-76427281-GTC-G.
Other names: c.1063_1064del, p.Asp355fs (NM_001329939.2); short protein forms D355fs.
Identifiers: ClinVar variation 1021549 (VCV001021549.9), dbSNP rs2035148543, ClinGen allele CA2147718618.